The following is an entry in ClinVar:

NM_006206.6(PDGFRA):c.2973C>T (p.Val991=)

Gene: PDGFRA (platelet derived growth factor receptor alpha; plus strand). Cytogenetic location: 4q12.
Variant type: single nucleotide variant.
Coding change: c.2973C>T on transcript NM_006206.6 (MANE Select); coding-DNA position 2973, C replaced by T.
Protein change: p.Val991=; no amino-acid change (valine 991 retained).
Molecular consequence: synonymous variant.
Genome position (GRCh38, 1-based): chr4:54,290,405, C>T. VCF-style: chr4-54290405-C-T. GRCh37 (hg19) VCF-style: chr4-55156572-C-T.
Other names: c.3048C>T, p.Val1016= (NM_001347828.2); c.2973C>T, p.Val991= (NM_001347829.2); c.3012C>T, p.Val1004= (NM_001347830.2); c.2973C>T (NM_006206.5).
Identifiers: ClinVar variation 528680 (VCV000528680.17), dbSNP rs755195836, ClinGen allele CA2923004.

ClinVar aggregate classification (germline): Benign/Likely benign. Review status: criteria provided, multiple submitters, no conflicts (2 of 4 stars). 4 submissions from 4 submitters: Benign (1); Likely benign (2). 1 of the submissions does not count toward it. Last evaluated 2026-06-18.

Conditions:
Polyps, multiple and recurrent inflammatory fibroid, gastrointestinal. Identifiers: MedGen C5193005, MONDO:0008285, OMIM 175510.
Gastrointestinal stromal tumor. Also called: Gastrointestinal stromal tumor, somatic; Gastrointestinal stroma tumor. Identifiers: Orphanet 44890, MedGen C0238198, MeSH D046152, MONDO:0011719, OMIM 606764, HP:0100723.
Hereditary cancer-predisposing syndrome. Also called: Hereditary neoplastic syndrome; Neoplastic Syndromes, Hereditary; Hereditary Cancer Syndrome; Tumor predisposition. Identifiers: Orphanet 140162, MedGen C0027672, MeSH D009386, MONDO:0015356.
PDGFRA-related disorder. Also called: PDGFRA-related condition.

Allele frequency attached by ClinVar (database versions not stated): ExAC 0.00002; gnomAD exomes 0.00002 and 0.00001; gnomAD 0.00005; TOPMed 0.00005.
gnomAD v4.1: 20 of 1,613,796 alleles (0.0012%); highest among the groups gnomAD compares: African/African-American, 0.023%; no homozygotes.

Submissions (4):

Myriad Genetics, Inc.
Classification: Benign for Polyps, multiple and recurrent inflammatory fibroid, gastrointestinal. Last evaluated: 2026-06-18. Review status: criteria provided, single submitter. Criteria: Myriad Autosomal Dominant, Autosomal Recessive and X-Linked Classification Criteria (2023). Collection method: clinical testing. Allele origin: unknown.
Comment: This variant is considered benign. This variant is a silent/synonymous amino acid change and it is not expected to impact splicing.

Labcorp Genetics (formerly Invitae), Labcorp
Classification: Likely benign for Gastrointestinal stromal tumor. Last evaluated: 2026-01-08. Review status: criteria provided, single submitter. Criteria: Invitae Variant Classification Sherloc (09022015). Collection method: clinical testing. Allele origin: germline.

Ambry Genetics
Classification: Likely benign for Hereditary cancer-predisposing syndrome. Last evaluated: 2020-02-14. Review status: criteria provided, single submitter. Criteria: Ambry Variant Classification Scheme 2023. Collection method: clinical testing. Allele origin: germline.

PreventionGenetics, part of Exact Sciences
Classification: Likely benign for PDGFRA-related condition. Last evaluated: 2023-08-18. Review status: no assertion criteria provided. Collection method: clinical testing. Allele origin: germline. Not counted in ClinVar's aggregate classification.
Comment: This variant is classified as likely benign based on ACMG/AMP sequence variant interpretation guidelines (Richards et al. 2015 PMID: 25741868, with internal and published modifications).